The following is an entry in ClinVar:

ClinVar aggregate classification (germline): Uncertain significance (1 of 4 stars; one submission).

Submission:

GeneDx
Classification: Uncertain significance. Last evaluated: 2025-03-31. Review status: criteria provided, single submitter. Criteria: GeneDx Variant Classification Process June 2021. Collection method: clinical testing. Allele origin: germline. Affected: yes.
Comment: Not observed at significant frequency in large population cohorts (gnomAD); In silico analysis supports that this missense variant has a deleterious effect on protein structure/function; Has not been previously published as pathogenic or benign to our knowledge

NM_001291415.2(KDM6A):c.2746A>T (p.Ser916Cys)

Gene: KDM6A (lysine demethylase 6A; plus strand). Cytogenetic location: Xp11.3.
Variant type: single nucleotide variant.
Coding change: c.2746A>T on transcript NM_001291415.2 (MANE Select); coding-DNA position 2746, A replaced by T.
Protein change: p.Ser916Cys; replaces serine 916 with cysteine.
Molecular consequence: missense variant. On other transcripts: non-coding transcript variant (1).
Genome position (GRCh38, 1-based): chrX:45,070,245, A>T. VCF-style: chrX-45070245-A-T. GRCh37 (hg19) VCF-style: chrX-44929490-A-T.
Other names: c.2611A>T, p.Ser871Cys (NM_001291416.2, NM_001419811.1); c.2455A>T, p.Ser819Cys (NM_001291417.2); c.2353A>T, p.Ser785Cys (NM_001291418.2, NM_001419815.1); c.1702A>T, p.Ser568Cys (NM_001291421.2); c.2488A>T, p.Ser830Cys (NM_001410742.1, NM_001419814.1); c.2746A>T, p.Ser916Cys (NM_001419809.1); c.2644A>T, p.Ser882Cys (NM_001419810.1, NM_001419813.1); c.2590A>T, p.Ser864Cys (NM_001419812.1, NM_021140.4); short protein forms S568C, S785C, S819C, S830C, S864C, S871C, S882C, S916C.
Identifiers: ClinVar variation 4278824 (VCV004278824.1).